The following is an entry in ClinVar:

ClinVar aggregate classification (germline): Uncertain significance. Review status: criteria provided, multiple submitters, no conflicts (2 of 4 stars). 6 submissions from 2 submitters: Uncertain significance (6). Last evaluated 2023-04-25.

Conditions:
Early-onset myopathy with fatal cardiomyopathy (CMYO5). Also called: CONGENITAL MYOPATHY 5 WITH CARDIOMYOPATHY; Salih Myopathy. Identifiers: Orphanet 289377, MedGen C2673677, MONDO:0012714, OMIM 611705. Disease mechanism: loss of function.
Myopathy, myofibrillar, 9, with early respiratory failure (MFM9). Also called: EDSTROM MYOPATHY; MYOPATHY, PROXIMAL, WITH EARLY RESPIRATORY MUSCLE INVOLVEMENT; Myopathy, distal, with early respiratory failure, autosomal dominant; Hereditary myopathy with early respiratory failure. Identifiers: Orphanet 178464, Orphanet 34521, MedGen C1863599, MONDO:0011362, OMIM 603689.
Autosomal recessive limb-girdle muscular dystrophy type 2J (LGMDR10). Also called: Limb-girdle muscular dystrophy, type 2J; MUSCULAR DYSTROPHY, LIMB-GIRDLE, AUTOSOMAL RECESSIVE 10. Identifiers: Orphanet 140922, MedGen C1837342, MONDO:0012127, OMIM 608807.
Tibial muscular dystrophy (TMD). Also called: Tibial muscular dystrophy, tardive; UDD MYOPATHY; Udd Distal Myopathy – Tibial Muscular Dystrophy. Identifiers: Orphanet 609, MedGen C1838244, MONDO:0010870, OMIM 600334.
Dilated cardiomyopathy 1G (CMD1G). Identifiers: Orphanet 154, MedGen C1858763, MONDO:0011400, OMIM 604145.

Allele frequency attached by ClinVar (database versions not stated): gnomAD exomes below 0.00001; TOPMed below 0.00001; ExAC 0.00001; gnomAD 0.00001.
gnomAD v4.1: 5 of 1,613,606 alleles (0.00031%); highest among the groups gnomAD compares: Non-Finnish European, 0.00042%; no homozygotes.

Submissions (6):

Mayo Clinic Laboratories, Mayo Clinic
Classification: Uncertain significance. Last evaluated: 2023-04-25. Review status: criteria provided, single submitter. Criteria: ACMG Guidelines, 2015. Collection method: clinical testing. Allele origin: germline. Observed: 1 variant allele.
Comment: BP4

Illumina Laboratory Services, Illumina
Classification: Uncertain significance for Tibial muscular dystrophy. Last evaluated: 2018-01-12. Review status: criteria provided, single submitter. Criteria: ICSL Variant Classification Criteria 13 December 2019. Collection method: clinical testing. Allele origin: germline.

Illumina Laboratory Services, Illumina
Classification: Uncertain significance for Early-onset myopathy with fatal cardiomyopathy. Last evaluated: 2018-01-12. Review status: criteria provided, single submitter. Criteria: ICSL Variant Classification Criteria 13 December 2019. Collection method: clinical testing. Allele origin: germline.

Illumina Laboratory Services, Illumina
Classification: Uncertain significance for Myopathy, myofibrillar, 9, with early respiratory failure. Last evaluated: 2018-01-12. Review status: criteria provided, single submitter. Criteria: ICSL Variant Classification Criteria 13 December 2019. Collection method: clinical testing. Allele origin: germline.

Illumina Laboratory Services, Illumina
Classification: Uncertain significance for Autosomal recessive limb-girdle muscular dystrophy type 2J. Last evaluated: 2018-01-12. Review status: criteria provided, single submitter. Criteria: ICSL Variant Classification Criteria 13 December 2019. Collection method: clinical testing. Allele origin: germline.

Illumina Laboratory Services, Illumina
Classification: Uncertain significance for Dilated cardiomyopathy 1G. Last evaluated: 2018-01-12. Review status: criteria provided, single submitter. Criteria: ICSL Variant Classification Criteria 13 December 2019. Collection method: clinical testing. Allele origin: germline.

NM_001267550.2(TTN):c.24613A>G (p.Ile8205Val)

Gene: TTN (titin; minus strand). Cytogenetic location: 2q31.2.
Variant type: single nucleotide variant.
Coding change: c.24613A>G on transcript NM_001267550.2 (MANE Select); coding-DNA position 24613, A replaced by G.
Protein change: p.Ile8205Val; replaces isoleucine 8205 with valine.
Molecular consequence: missense variant. On other transcripts: intron variant (3).
Genome position (GRCh38, 1-based): chr2:178,718,493, T>C on the plus strand (A>G on the coding strand, the complement: TTN is on the minus strand). VCF-style: chr2-178718493-T-C. GRCh37 (hg19) VCF-style: chr2-179583220-T-C.
Other names: p.Ile7888Val; c.23662A>G, p.Ile7888Val (NM_001256850.1); c.20881A>G, p.Ile6961Val (NM_133378.4); c.13282+19589A>G (NM_003319.4); c.13858+19589A>G (NM_133437.4); c.13657+19589A>G (NM_133432.3); short protein forms I6961V, I8205V, I7888V.
Identifiers: ClinVar variation 892850 (VCV000892850.5), dbSNP rs747306219, ClinGen allele CA2000394.